The following is an entry in ClinVar:

ClinVar aggregate classification (germline): Uncertain significance (1 of 4 stars; one submission).

Conditions:
Epidermolysis bullosa simplex 5B, with muscular dystrophy (EBS5B). Also called: Epidermolysis bullosa simplex with muscular dystrophy; EPIDERMOLYSIS BULLOSA SIMPLEX AND LIMB-GIRDLE MUSCULAR DYSTROPHY. Identifiers: Orphanet 257, MedGen C2931072, MONDO:0009181, OMIM 226670.
Epidermolysis bullosa simplex, Ogna type (EBS5A). Also called: Pidermolysis bullosa simplex 5A, Ogna type; EPIDERMOLYSIS BULLOSA SIMPLEX 5A, OGNA TYPE. Identifiers: Orphanet 79401, MedGen C0432317, MONDO:0007555, OMIM 131950.
Epidermolysis bullosa simplex 5C, with pyloric atresia (EBS5C). Also called: Epidermolysis bullosa simplex with pyloric atresia; PLEC-Related Epidermolysis Bullosa with Pyloric Atresia; PLEC1-Related Epidermolysis Bullosa with Pyloric Atresia. Identifiers: Orphanet 158684, MedGen C2677349, MONDO:0012807, OMIM 612138.
Autosomal recessive limb-girdle muscular dystrophy type 2Q (LGMDR17). Also called: MUSCULAR DYSTROPHY, LIMB-GIRDLE, AUTOSOMAL RECESSIVE 17. Identifiers: Orphanet 254361, MedGen C3150989, MONDO:0013390, OMIM 613723.
Epidermolysis bullosa simplex with nail dystrophy (EBS5D). Identifiers: MedGen C4225309, MONDO:0014661, OMIM 616487.

gnomAD v4.1: 1 of 1,547,232 alleles (0.000065%); highest among the groups gnomAD compares: Non-Finnish European, 0.000087%; no homozygotes.

Submission:

Labcorp Genetics (formerly Invitae), Labcorp
Classification: Uncertain significance for Autosomal recessive limb-girdle muscular dystrophy type 2Q; Epidermolysis bullosa simplex, Ogna type; Epidermolysis bullosa simplex with nail dystrophy; Epidermolysis bullosa simplex 5C, with pyloric atresia; Epidermolysis bullosa simplex 5B, with muscular dystrophy. Last evaluated: 2024-10-28. Review status: criteria provided, single submitter. Criteria: Invitae Variant Classification Sherloc (09022015). Collection method: clinical testing. Allele origin: germline.
Comment: This sequence change replaces glutamic acid, which is acidic and polar, with glutamine, which is neutral and polar, at codon 2109 of the PLEC protein (p.Glu2109Gln). This variant is not present in population databases (gnomAD no frequency). This variant has not been reported in the literature in individuals affected with PLEC-related conditions. ClinVar contains an entry for this variant (Variation ID: 1977730). An algorithm developed to predict the effect of missense changes on protein structure and function (PolyPhen-2) suggests that this variant is likely to be tolerated. In summary, the available evidence is currently insufficient to determine the role of this variant in disease. Therefore, it has been classified as a Variant of Uncertain Significance.

NM_201384.3(PLEC):c.6244G>C (p.Glu2082Gln)

Gene: PLEC (plectin; minus strand). Cytogenetic location: 8q24.3.
Variant type: single nucleotide variant.
Coding change: c.6244G>C on transcript NM_201384.3 (MANE Select); coding-DNA position 6244, G replaced by C.
Protein change: p.Glu2082Gln; replaces glutamic acid 2082 with glutamine.
Molecular consequence: missense variant.
Genome position (GRCh38, 1-based): chr8:143,923,685, C>G on the plus strand (G>C on the coding strand, the complement: PLEC is on the minus strand). VCF-style: chr8-143923685-C-G. GRCh37 (hg19) VCF-style: chr8-144997853-C-G.
Other names: c.6325G>C, p.Glu2109Gln (NM_000445.5); c.6202G>C, p.Glu2068Gln (NM_201378.4); c.6178G>C, p.Glu2060Gln (NM_201379.3); c.6655G>C, p.Glu2219Gln (NM_201380.4); c.6148G>C, p.Glu2050Gln (NM_201381.3); c.6244G>C, p.Glu2082Gln (NM_201382.4); c.6256G>C, p.Glu2086Gln (NM_201383.3); short protein forms E2068Q, E2086Q, E2060Q, E2219Q, E2050Q, E2082Q, E2109Q.
Identifiers: ClinVar variation 1977730 (VCV001977730.5), dbSNP rs782506688, ClinGen allele CA372537660.